The following is an entry in ClinVar:

ClinVar aggregate classification (germline): Pathogenic (1 of 4 stars; one submission).

Conditions:
Hyperornithinemia-hyperammonemia-homocitrullinuria syndrome (HHHS). Also called: Ornithine translocase deficiency; HHH SYNDROME. Identifiers: Orphanet 415, MedGen C0268540, MONDO:0009393, OMIM 238970.

Submission:

Labcorp Genetics (formerly Invitae), Labcorp
Classification: Pathogenic for Hyperornithinemia-hyperammonemia-homocitrullinuria syndrome. Last evaluated: 2021-10-15. Review status: criteria provided, single submitter. Criteria: Invitae Variant Classification Sherloc (09022015). Collection method: clinical testing. Allele origin: germline.
Comment: For these reasons, this variant has been classified as Pathogenic. This variant disrupts a region of the SLC25A15 protein in which other variant(s) (p.Arg275*) have been determined to be pathogenic (PMID: 16376511, 23430880; Invitae). This suggests that this is a clinically significant region of the protein, and that variants that disrupt it are likely to be disease-causing. This variant has not been reported in the literature in individuals affected with SLC25A15-related conditions. This variant is not present in population databases (ExAC no frequency). This sequence change creates a premature translational stop signal (p.Glu260*) in the SLC25A15 gene. While this is not anticipated to result in nonsense mediated decay, it is expected to disrupt the last 42 amino acid(s) of the SLC25A15 protein.

Literature cited by the submitters: PubMed 16376511; PubMed 23430880.

NM_014252.4(SLC25A15):c.778G>T (p.Glu260Ter)

Gene: SLC25A15 (solute carrier family 25 member 15; plus strand). Cytogenetic location: 13q14.11.
Variant type: single nucleotide variant.
Coding change: c.778G>T on transcript NM_014252.4 (MANE Select); coding-DNA position 778, G replaced by T.
Protein change: p.Glu260Ter; replaces glutamic acid 260 with a stop codon.
Molecular consequence: nonsense.
Genome position (GRCh38, 1-based): chr13:40,808,593, G>T. VCF-style: chr13-40808593-G-T. GRCh37 (hg19) VCF-style: chr13-41382729-G-T.
Other names: short protein forms E260*.
Identifiers: ClinVar variation 952563 (VCV000952563.7), dbSNP rs1882296594, ClinGen allele CA387919253.